The following is an entry in ClinVar:

ClinVar aggregate classification (germline): Uncertain significance (1 of 4 stars; one submission).

Submission:

Labcorp Genetics (formerly Invitae), Labcorp
Classification: Uncertain significance. Last evaluated: 2023-11-27. Review status: criteria provided, single submitter. Criteria: Invitae Variant Classification Sherloc (09022015). Collection method: clinical testing. Allele origin: germline.
Comment: This sequence change creates a premature translational stop signal (p.Tyr610*) in the SAMD11 gene. While this is not anticipated to result in nonsense mediated decay, it is expected to disrupt the last 72 amino acid(s) of the SAMD11 protein. This variant is not present in population databases (gnomAD no frequency). This variant has not been reported in the literature in individuals affected with SAMD11-related conditions. ClinVar contains an entry for this variant (Variation ID: 2003899). Algorithms developed to predict the effect of sequence changes on RNA splicing suggest that this variant may disrupt the consensus splice site. In summary, the available evidence is currently insufficient to determine the role of this variant in disease. Therefore, it has been classified as a Variant of Uncertain Significance.

NM_001385641.1(SAMD11):c.2319C>A (p.Tyr773Ter)

Gene: SAMD11 (sterile alpha motif domain containing 11; plus strand). Cytogenetic location: 1p36.33.
Variant type: single nucleotide variant.
Coding change: c.2319C>A on transcript NM_001385641.1 (MANE Select); coding-DNA position 2319, C replaced by A.
Protein change: p.Tyr773Ter; replaces tyrosine 773 with a stop codon.
Molecular consequence: nonsense.
Genome position (GRCh38, 1-based): chr1:943,937, C>A. VCF-style: chr1-943937-C-A. GRCh37 (hg19) VCF-style: chr1-879317-C-A.
Other names: c.2322C>A, p.Tyr774Ter (NM_001385640.1); c.1830C>A, p.Tyr610Ter (NM_152486.4); short protein forms Y610*, Y773*, Y774*.
Identifiers: ClinVar variation 2003899 (VCV002003899.4), dbSNP rs7523549, ClinGen allele CA337817641.